The following is an entry in ClinVar:

ClinVar aggregate classification (germline): Uncertain significance (1 of 4 stars; one submission).

Conditions:
Focal segmental glomerulosclerosis 5 (FSGS5). Identifiers: Orphanet 656, MedGen C2750475, MONDO:0013191, OMIM 613237.
Charcot-Marie-Tooth disease dominant intermediate E. Also called: CHARCOT-MARIE-TOOTH NEUROPATHY WITH FOCAL SEGMENTAL GLOMERULONEPHRITIS. Identifiers: Orphanet 93114, MedGen C4302667, MONDO:0013758, OMIM 614455.

Submission:

Labcorp Genetics (formerly Invitae), Labcorp
Classification: Uncertain significance for Charcot-Marie-Tooth disease dominant intermediate E; Focal segmental glomerulosclerosis 5. Last evaluated: 2023-09-11. Review status: criteria provided, single submitter. Criteria: Invitae Variant Classification Sherloc (09022015). Collection method: clinical testing. Allele origin: germline.
Comment: Algorithms developed to predict the effect of sequence changes on RNA splicing suggest that this variant may disrupt the consensus splice site. In summary, the available evidence is currently insufficient to determine the role of this variant in disease. Therefore, it has been classified as a Variant of Uncertain Significance. Advanced modeling of protein sequence and biophysical properties (such as structural, functional, and spatial information, amino acid conservation, physicochemical variation, residue mobility, and thermodynamic stability) performed at Invitae indicates that this missense variant is not expected to disrupt INF2 protein function. This missense change has been observed in individual(s) with steroid resistant nephrotic syndrome (PMID: 28780565). This variant is not present in population databases (gnomAD no frequency). This sequence change replaces arginine, which is basic and polar, with threonine, which is neutral and polar, at codon 981 of the INF2 protein (p.Arg981Thr).

Literature cited by the submitters: PubMed 28780565.

NM_022489.4(INF2):c.2942G>C (p.Arg981Thr)

Gene: INF2 (inverted formin 2; plus strand). Cytogenetic location: 14q32.33.
Variant type: single nucleotide variant.
Coding change: c.2942G>C on transcript NM_022489.4 (MANE Select); coding-DNA position 2942, G replaced by C.
Protein change: p.Arg981Thr; replaces arginine 981 with threonine.
Molecular consequence: missense variant.
Genome position (GRCh38, 1-based): chr14:104,713,508, G>C. VCF-style: chr14-104713508-G-C. GRCh37 (hg19) VCF-style: chr14-105179845-G-C.
Other names: c.2942G>C, p.Arg981Thr (NM_001031714.4, NM_001426862.1, NM_001426863.1 and 2 more transcripts); short protein forms R981T.
Identifiers: ClinVar variation 2925527 (VCV002925527.3), dbSNP rs764912111, ClinGen allele CA391222977.